The following is an entry in ClinVar:

NM_000435.3(NOTCH3):c.4163C>T (p.Pro1388Leu)

Genes: NOTCH3 (notch receptor 3; minus strand), LOC130063807 (ATAC-STARR-seq lymphoblastoid silent region 10267; plus strand). Cytogenetic location: 19p13.12.
Variant type: single nucleotide variant.
Coding change: c.4163C>T on transcript NM_000435.3 (MANE Select); coding-DNA position 4163, C replaced by T.
Protein change: p.Pro1388Leu; replaces proline 1388 with leucine.
Molecular consequence: missense variant.
Genome position (GRCh38, 1-based): chr19:15,177,765, G>A on the plus strand (C>T on the coding strand, the complement: NOTCH3 is on the minus strand). VCF-style: chr19-15177765-G-A. GRCh37 (hg19) VCF-style: chr19-15288576-G-A.
Other names: short protein forms P1388L.
Identifiers: ClinVar variation 1308456 (VCV001308456.3), dbSNP rs1405393607, ClinGen allele CA404504478.

ClinVar aggregate classification (germline): Uncertain significance. Review status: criteria provided, multiple submitters, no conflicts (2 of 4 stars). 2 submissions from 2 submitters: Uncertain significance (2). Last evaluated 2021-12-07.

Conditions:
Myofibromatosis, infantile, 2. Identifiers: Orphanet 2591, MedGen C3809084, MONDO:0014122, OMIM 615293.
Lateral meningocele syndrome (LMNS). Also called: NOTCH3-Related Lateral Meningocele Syndrome. Identifiers: Orphanet 2789, MedGen C1851710, MONDO:0007537, OMIM 130720.
Cerebral arteriopathy, autosomal dominant, with subcortical infarcts and leukoencephalopathy, type 1 (CADASIL1). Also called: CADASIL 1; CASIL; Cerebral arteriopathy with subcortical infarcts and leukoencephalopathy 1; DEMENTIA, HEREDITARY MULTIINFARCT TYPE. Identifiers: Orphanet 136, MedGen C4551768, MONDO:0000914, OMIM 125310.

Allele frequency attached by ClinVar (database versions not stated): gnomAD exomes below 0.00001.
gnomAD v4.1: 5 of 1,372,802 alleles (0.00036%); highest among the groups gnomAD compares: African/African-American, 0.0031%; no homozygotes.

Submissions (2):

Fulgent Genetics
Classification: Uncertain significance for Cerebral arteriopathy, autosomal dominant, with subcortical infarcts and leukoencephalopathy, type 1; Lateral meningocele syndrome; Myofibromatosis, infantile, 2. Last evaluated: 2021-12-07. Review status: criteria provided, single submitter. Criteria: ACMG Guidelines, 2015. Collection method: clinical testing. Allele origin: unknown.

GeneDx
Classification: Uncertain significance. Last evaluated: 2019-04-02. Review status: criteria provided, single submitter. Criteria: GeneDx Variant Classification Process June 2021. Collection method: clinical testing. Allele origin: germline. Affected: yes.
Comment: Has not been previously published as pathogenic or benign to our knowledge; Not observed in large population cohorts (Lek et al., 2016); In silico analysis, which includes protein predictors and evolutionary conservation, supports a deleterious effect